The following is an entry in ClinVar:

NM_001113378.2(FANCI):c.15T>G (p.Ile5Met)

Gene: FANCI (FA complementation group I; plus strand). Cytogenetic location: 15q26.1.
Variant type: single nucleotide variant.
Coding change: c.15T>G on transcript NM_001113378.2 (MANE Select); coding-DNA position 15, T replaced by G.
Protein change: p.Ile5Met; replaces isoleucine 5 with methionine.
Molecular consequence: missense variant. On other transcripts: 5 prime UTR variant (1).
Genome position (GRCh38, 1-based): chr15:89,247,662, T>G. VCF-style: chr15-89247662-T-G. GRCh37 (hg19) VCF-style: chr15-89790893-T-G.
Other names: c.-260T>G (NM_001376910.1); c.15T>G, p.Ile5Met (NM_001376911.1, NM_018193.3); short protein forms I5M.
Identifiers: ClinVar variation 3704273 (VCV003704273.1).

ClinVar aggregate classification (germline): Uncertain significance (1 of 4 stars; one submission).

Conditions:
Fanconi anemia (FA). Also called: Fanconi's anemia. Identifiers: Orphanet 84, MedGen C0015625, MeSH D005199, MONDO:0019391.

gnomAD v4.1: 7 of 1,613,908 alleles (0.00043%); highest among the groups gnomAD compares: Non-Finnish European, 0.00059%; no homozygotes.

Submission:

Labcorp Genetics (formerly Invitae), Labcorp
Classification: Uncertain significance for Fanconi anemia. Last evaluated: 2024-10-16. Review status: criteria provided, single submitter. Criteria: Invitae Variant Classification Sherloc (09022015). Collection method: clinical testing. Allele origin: germline.
Comment: This sequence change replaces isoleucine, which is neutral and non-polar, with methionine, which is neutral and non-polar, at codon 5 of the FANCI protein (p.Ile5Met). This variant is present in population databases (rs778553138, gnomAD 0.002%). This variant has not been reported in the literature in individuals affected with FANCI-related conditions. An algorithm developed to predict the effect of missense changes on protein structure and function (PolyPhen-2) suggests that this variant is likely to be disruptive. In summary, the available evidence is currently insufficient to determine the role of this variant in disease. Therefore, it has been classified as a Variant of Uncertain Significance.